The following is an entry in ClinVar:

NM_002474.3(MYH11):c.4315C>G (p.Gln1439Glu)

Genes: MYH11 (myosin heavy chain 11; minus strand), NDE1 (nudE neurodevelopment protein 1; plus strand). Cytogenetic location: 16p13.11.
Variant type: single nucleotide variant.
Coding change: c.4315C>G on transcript NM_002474.3 (MANE Select); coding-DNA position 4315, C replaced by G.
Protein change: p.Gln1439Glu; replaces glutamine 1439 with glutamic acid.
Molecular consequence: missense variant.
Genome position (GRCh38, 1-based): chr16:15,724,211, G>C on the plus strand (C>G on the coding strand, the complement: MYH11 is on the minus strand). VCF-style: chr16-15724211-G-C. GRCh37 (hg19) VCF-style: chr16-15818068-G-C.
Other names: c.4315C>G (NM_002474.2); c.4336C>G, p.Gln1446Glu (NM_001040114.2, NM_001040113.2); c.4315C>G, p.Gln1439Glu (NM_022844.3); c.968G>C, p.Trp323Ser (NM_001143979.2, NM_017668.3); short protein forms Q1439E, W323S, Q1446E.
Identifiers: ClinVar variation 927744 (VCV000927744.14), dbSNP rs566506678, ClinGen allele CA7921715.

ClinVar aggregate classification (germline): Uncertain significance. Review status: criteria provided, multiple submitters, no conflicts (2 of 4 stars). 7 submissions from 7 submitters: Uncertain significance (7). Last evaluated 2026-06-16.

Conditions:
Aortic aneurysm, familial thoracic 4 (AAT4). Also called: AORTIC ANEURYSM/AORTIC DISSECTION AND PATENT DUCTUS ARTERIOSUS. Identifiers: MedGen C1851504, MONDO:0007568, OMIM 132900.
Familial thoracic aortic aneurysm and aortic dissection (TAAD). Also called: Thoracic aortic aneurysms and dissections. Identifiers: Orphanet 91387, MedGen C4707243, MONDO:0019625.

Allele frequency attached by ClinVar (database versions not stated): gnomAD exomes below 0.00001 and 0.00001; ExAC 0.00001; TOPMed 0.00002; gnomAD 0.00004; 1000 Genomes Project 30x 0.00016; 1000 Genomes Project 0.00020.
gnomAD v4.1: 8 of 1,614,120 alleles (0.0005%); highest among the groups gnomAD compares: African/African-American, 0.0067%; no homozygotes.

Submissions (7):

Women's Health and Genetics/Laboratory Corporation of America, LabCorp
Classification: Uncertain significance. Last evaluated: 2026-06-16. Review status: criteria provided, single submitter. Criteria: LabCorp Variant Classification Summary - May 2015. Collection method: clinical testing. Allele origin: germline.

CeGaT Center for Human Genetics Tuebingen
Classification: Uncertain significance. Last evaluated: 2026-02-01. Review status: criteria provided, single submitter. Criteria: CeGaT Center For Human Genetics Tuebingen Variant Classification Criteria Version 2. Collection method: clinical testing. Allele origin: germline. Affected: yes. Observed: 1 variant allele.
Comment: MYH11: PM2

Labcorp Genetics (formerly Invitae), Labcorp
Classification: Uncertain significance for Aortic aneurysm, familial thoracic 4. Last evaluated: 2025-12-24. Review status: criteria provided, single submitter. Criteria: Invitae Variant Classification Sherloc (09022015). Collection method: clinical testing. Allele origin: germline.
Comment: This sequence change replaces glutamine, which is neutral and polar, with glutamic acid, which is acidic and polar, at codon 1446 of the MYH11 protein (p.Gln1446Glu). This variant is present in population databases (rs566506678, gnomAD 0.007%). This variant has not been reported in the literature in individuals affected with MYH11-related conditions. ClinVar contains an entry for this variant (Variation ID: 927744). Invitae Evidence Modeling of protein sequence and biophysical properties (such as structural, functional, and spatial information, amino acid conservation, physicochemical variation, residue mobility, and thermodynamic stability) indicates that this missense variant is not expected to disrupt MYH11 protein function with a negative predictive value of 95%. In summary, the available evidence is currently insufficient to determine the role of this variant in disease. Therefore, it has been classified as a Variant of Uncertain Significance.

Ambry Genetics
Classification: Uncertain significance for Familial thoracic aortic aneurysm and aortic dissection. Last evaluated: 2024-07-11. Review status: criteria provided, single submitter. Criteria: Ambry Variant Classification Scheme 2023. Collection method: clinical testing. Allele origin: germline.
Comment: The p.Q1439E variant (also known as c.4315C>G), located in coding exon 30 of the MYH11 gene, results from a C to G substitution at nucleotide position 4315. The glutamine at codon 1439 is replaced by glutamic acid, an amino acid with highly similar properties. This amino acid position is conserved. In addition, the in silico prediction for this alteration is inconclusive. Based on the available evidence, the clinical significance of this variant remains unclear.

Color Diagnostics, LLC DBA Color Health
Classification: Uncertain significance for Familial thoracic aortic aneurysm and aortic dissection. Last evaluated: 2024-03-07. Review status: criteria provided, single submitter. Criteria: ACMG Guidelines, 2015. Collection method: clinical testing. Allele origin: germline.
Comment: This missense variant replaces glutamine with glutamic acid at codon 1446 of the MYH11 protein. Computational prediction suggests that this variant may not impact protein structure and function (internally defined REVEL score threshold <= 0.5, PMID: 27666373). To our knowledge, functional studies have not been reported for this variant. This variant has not been reported in individuals affected with MYH11-related disorders in the literature. This variant has been identified in 2/251490 chromosomes in the general population by the Genome Aggregation Database (gnomAD). The available evidence is insufficient to determine the role of this variant in disease conclusively. Therefore, this variant is classified as a Variant of Uncertain Significance.

GeneDx
Classification: Uncertain significance. Last evaluated: 2023-11-06. Review status: criteria provided, single submitter. Criteria: GeneDx Variant Classification Process June 2021. Collection method: clinical testing. Allele origin: germline. Affected: yes.
Comment: Not observed at significant frequency in large population cohorts (gnomAD); In silico analysis supports that this missense variant does not alter protein structure/function; Has not been previously published as pathogenic or benign to our knowledge; This variant is associated with the following publications: (PMID: 21529752)

All of Us Research Program, National Institutes of Health
Classification: Uncertain significance for Familial thoracic aortic aneurysm and aortic dissection. Last evaluated: 2023-07-10. Review status: criteria provided, single submitter. Criteria: ACMG Guidelines, 2015. Collection method: clinical testing. Allele origin: germline. Inheritance: Autosomal dominant inheritance. Observed: 1 variant allele, 1 heterozygote.
Comment: Variant of Uncertain Significance due to insufficient evidence: This missense variant is located in the coiled coil myosin tail domain of the MYH11 protein. Computational prediction tools and conservation analyses are inconclusive regarding the impact of this variant on the protein function. Computational splicing tools suggest that this variant may not impact RNA splicing. To our knowledge, functional assays have not been performed for this variant nor has this variant been reported in individuals affected with cardiovascular disorders in the literature. This variant has been identified in 2/246266 chromosomes in the general population by the Genome Aggregation Database (gnomAD). Available evidence is insufficient to determine the role of this variant in disease conclusively.

This study involves interpretation of variants in research participants for the purpose of population health screening. Participant phenotype was not available at the time of variant classification. Additional details can be found in publication PMID: 35346344, PMCID: PMC8962531